The following is an entry in ClinVar:

ClinVar aggregate classification (germline): Uncertain significance (1 of 4 stars; one submission).

Submission:

Women's Health and Genetics/Laboratory Corporation of America, LabCorp
Classification: Uncertain significance. Last evaluated: 2026-02-20. Review status: criteria provided, single submitter. Criteria: LabCorp Variant Classification Summary - May 2015. Collection method: clinical testing. Allele origin: germline.
Comment: Variant summary: IDUA c.972G>A (p.Lys324Lys) alters a conserved nucleotide located close to a canonical splice site and therefore could affect mRNA splicing, leading to a significantly altered protein sequence. Several computational tools predict a significant impact on normal splicing: Two predict the variant abolishes a canonical 5' splicing donor site and one predicts the variant weaken this site. However, these predictions have yet to be confirmed by functional studies. The variant was absent in 160000 control chromosomes (gnomAD). The available data on variant occurrences in the general population are insufficient to allow any conclusion about variant significance. To our knowledge, no occurrence of c.972G>A in individuals affected with IDUA-related conditions and no experimental evidence demonstrating its impact on protein function have been reported. No submitters have cited clinical-significance assessments for this variant to ClinVar. Based on the evidence outlined above, the variant was classified as uncertain significance.

NM_000203.5(IDUA):c.972G>A (p.Lys324=)

Gene: IDUA (alpha-L-iduronidase; plus strand). Cytogenetic location: 4p16.3.
Variant type: single nucleotide variant.
Coding change: c.972G>A on transcript NM_000203.5 (MANE Select); coding-DNA position 972, G replaced by A.
Protein change: p.Lys324=; no amino-acid change (lysine 324 retained).
Molecular consequence: synonymous variant. On other transcripts: non-coding transcript variant (1).
Genome position (GRCh38, 1-based): chr4:1,002,161, G>A. VCF-style: chr4-1002161-G-A. GRCh37 (hg19) VCF-style: chr4-995949-G-A.
Other names: c.576G>A, p.Lys192= (NM_001363576.1).
Identifiers: ClinVar variation 4848195 (VCV004848195.1).